The following is an entry in ClinVar:

NM_001195.5(BFSP1):c.1124del (p.Glu375fs)

Gene: BFSP1 (beaded filament structural protein 1; minus strand). Cytogenetic location: 20p12.1.
Variant type: Deletion.
Coding change: c.1124del on transcript NM_001195.5 (MANE Select); coding-DNA position 1124, one base deleted (A; older notation c.1124delA).
Protein change: p.Glu375fs; shifts the reading frame from glutamic acid 375.
Molecular consequence: frameshift variant.
Genome position (GRCh38, 1-based): chr20:17,494,948, T deleted on the plus strand (A on the coding strand, the reverse complement: BFSP1 is on the minus strand). VCF-style (leftmost placement, unchanged base first): chr20-17494947-CT-C. GRCh37 (hg19) VCF-style: chr20-17475592-CT-C.
Other names: c.749del, p.Glu250fs (NM_001161705.2); c.707del, p.Glu236fs (NM_001278606.2, NM_001278608.2); c.791del, p.Glu264fs (NM_001278607.2); short protein forms E236fs, E250fs, E264fs, E375fs.
Identifiers: ClinVar variation 1065587 (VCV001065587.1), dbSNP rs2123446094, ClinGen allele CA2573054857.
Genomic context (GRCh38, chr20:17,494,947, plus strand): 5'-TTCCAAACCTTTTAATGGTGCATCTTCCAGAGCTCCGTTGGTTTTGTCTTTTGTTATAAT[CT>C]CTTTTCTCCTTGGAACATTCTTGGGGAGGGCTTTTTGTCTTGGTTTTGCTGCTGTTATAT-3'

ClinVar aggregate classification (germline): Likely pathogenic (0 of 4 stars; one submission).

Conditions:
Developmental cataract. Also called: Bilateral cataracts; Congenital cataract; Congenital cataracts. Identifiers: MedGen C0009691, HP:0000519.

Allele frequency attached by ClinVar (database versions not stated): gnomAD exomes below 0.00001.

Submission:

Dept. Genetics and Cancer, Menzies Institute for Medical Research, University of Tasmania
Classification: Likely pathogenic for Developmental cataract. Last evaluated: 2021-05-01. Review status: no assertion criteria provided. Criteria: ACMG Guidelines, 2015. Collection method: research. Allele origin: germline. Affected: yes.
Comment: PM2, PM4, PP1_strong, PP3. Absent/near absent from population databases. Protein length changes due to introduction of premature stop codon. PP1_strong segregation evidence with â‰¥5 meioses in family. Multiple predictive tools assessing variant as damaging/pathogenic.